The following is an entry in ClinVar:

ClinVar aggregate classification (germline): Uncertain significance (1 of 4 stars; one submission).

Submission:

Labcorp Genetics (formerly Invitae), Labcorp
Classification: Uncertain significance. Last evaluated: 2025-08-17. Review status: criteria provided, single submitter. Criteria: Invitae Variant Classification Sherloc (09022015). Collection method: clinical testing. Allele origin: germline.
Comment: This sequence change replaces aspartic acid, which is acidic and polar, with glutamic acid, which is acidic and polar, at codon 1801 of the SCN3A protein (p.Asp1801Glu). This variant is not present in population databases (gnomAD no frequency). This variant has not been reported in the literature in individuals affected with SCN3A-related conditions. Invitae Evidence Modeling of protein sequence and biophysical properties (such as structural, functional, and spatial information, amino acid conservation, physicochemical variation, residue mobility, and thermodynamic stability) has been performed for this missense variant. However, the output from this modeling did not meet the statistical confidence thresholds required to predict the impact of this variant on SCN3A protein function. In summary, the available evidence is currently insufficient to determine the role of this variant in disease. Therefore, it has been classified as a Variant of Uncertain Significance.

NM_006922.4(SCN3A):c.5403T>A (p.Asp1801Glu)

Gene: SCN3A (sodium voltage-gated channel alpha subunit 3; minus strand). Cytogenetic location: 2q24.3.
Variant type: single nucleotide variant.
Coding change: c.5403T>A on transcript NM_006922.4 (MANE Select); coding-DNA position 5403, T replaced by A.
Protein change: p.Asp1801Glu; replaces aspartic acid 1801 with glutamic acid.
Molecular consequence: missense variant.
Genome position (GRCh38, 1-based): chr2:165,090,750, A>T on the plus strand (T>A on the coding strand, the complement: SCN3A is on the minus strand). VCF-style: chr2-165090750-A-T. GRCh37 (hg19) VCF-style: chr2-165947260-A-T.
Other names: c.5256T>A, p.Asp1752Glu (NM_001081676.2, NM_001081677.2); short protein forms D1752E, D1801E.
Identifiers: ClinVar variation 4745721 (VCV004745721.1).
Genomic context (GRCh38, chr2:165,090,750, plus strand): 5'-ATCCAGGGCAGCTGCAAAATCAGAGAGTTTAGAGAACTCTATAAACTGGGTCGCATCGGG[A>T]TCAAACTTTTCCCAAACCTCATAGAACATCTCAAAGTCATCCTCACTCAGGGGCTCTGCA-3'
Protein context (NP_008853.3, residues 1791-1811): EMFYEVWEKF[Asp1801Glu]PDATQFIEFS